The following is an entry in ClinVar:

ClinVar aggregate classification (germline): Uncertain significance. Review status: criteria provided, multiple submitters, no conflicts (2 of 4 stars). 4 submissions from 4 submitters: Uncertain significance (4). Last evaluated 2024-07-30.

Conditions:
LAMA2-related muscular dystrophy (LAMA2-RD). Also called: Laminin alpha 2-related dystrophy. Identifiers: MedGen C5679788, MONDO:0100228.

Allele frequency attached by ClinVar (database versions not stated): gnomAD exomes below 0.00001 and 0.00001; ExAC 0.00002; TOPMed 0.00003.
gnomAD v4.1: 9 of 1,613,292 alleles (0.00056%); highest among the groups gnomAD compares: Admixed American, 0.0083%; no homozygotes.

Submissions (4):

Mayo Clinic Laboratories, Mayo Clinic
Classification: Uncertain significance. Last evaluated: 2024-07-30. Review status: criteria provided, single submitter. Criteria: ACMG Guidelines, 2015. Collection method: clinical testing. Allele origin: germline. Observed: 1 variant allele.
Comment: BP4, PM2_moderate

GeneDx
Classification: Uncertain significance. Last evaluated: 2024-06-08. Review status: criteria provided, single submitter. Criteria: GeneDx Variant Classification Process June 2021. Collection method: clinical testing. Allele origin: germline. Affected: yes.
Comment: Not observed at significant frequency in large population cohorts (gnomAD); In silico analysis indicates that this missense variant does not alter protein structure/function; Has not been previously published as pathogenic or benign to our knowledge

Revvity Omics, Revvity
Classification: Uncertain significance. Last evaluated: 2023-11-14. Review status: criteria provided, single submitter. Criteria: ACMG Guidelines, 2015. Collection method: clinical testing. Allele origin: germline.

Labcorp Genetics (formerly Invitae), Labcorp
Classification: Uncertain significance for LAMA2-related muscular dystrophy. Last evaluated: 2021-08-26. Review status: criteria provided, single submitter. Criteria: Invitae Variant Classification Sherloc (09022015). Collection method: clinical testing. Allele origin: germline.
Comment: This sequence change replaces serine with cysteine at codon 530 of the LAMA2 protein (p.Ser530Cys). The serine residue is weakly conserved and there is a moderate physicochemical difference between serine and cysteine. This variant is present in population databases (rs760095810, ExAC 0.02%). This variant has not been reported in the literature in individuals affected with LAMA2-related conditions. ClinVar contains an entry for this variant (Variation ID: 938363). Algorithms developed to predict the effect of missense changes on protein structure and function are either unavailable or do not agree on the potential impact of this missense change (SIFT: "Tolerated"; PolyPhen-2: "Possibly Damaging"; Align-GVGD: "Class C0"). In summary, the available evidence is currently insufficient to determine the role of this variant in disease. Therefore, it has been classified as a Variant of Uncertain Significance.

NM_000426.4(LAMA2):c.1589C>G (p.Ser530Cys)

Gene: LAMA2 (laminin subunit alpha 2; plus strand). Cytogenetic location: 6q22.33.
Variant type: single nucleotide variant.
Coding change: c.1589C>G on transcript NM_000426.4 (MANE Select); coding-DNA position 1589, C replaced by G.
Protein change: p.Ser530Cys; replaces serine 530 with cysteine.
Molecular consequence: missense variant.
Genome position (GRCh38, 1-based): chr6:129,190,326, C>G. VCF-style: chr6-129190326-C-G. GRCh37 (hg19) VCF-style: chr6-129511471-C-G.
Other names: p.Ser530Cys; c.1589C>G, p.Ser530Cys (NM_001079823.2); short protein forms S530C.
Identifiers: ClinVar variation 938363 (VCV000938363.7), dbSNP rs760095810, ClinGen allele CA3992654.